The following is an entry in ClinVar:

NM_005845.5(ABCC4):c.3211G>A (p.Val1071Ile)

Gene: ABCC4 (ATP binding cassette subfamily C member 4 (PEL blood group); minus strand). Cytogenetic location: 13q32.1.
Variant type: single nucleotide variant.
Coding change: c.3211G>A on transcript NM_005845.5 (MANE Select); coding-DNA position 3211, G replaced by A.
Protein change: p.Val1071Ile; replaces valine 1071 with isoleucine.
Molecular consequence: missense variant.
Genome position (GRCh38, 1-based): chr13:95,062,859, C>T on the plus strand (G>A on the coding strand, the complement: ABCC4 is on the minus strand). VCF-style: chr13-95062859-C-T. GRCh37 (hg19) VCF-style: chr13-95715113-C-T.
Other names: p.Val1071Ile; c.3070G>A, p.Val1024Ile (NM_001301829.2); short protein forms V1071I, V1024I.
Identifiers: ClinVar variation 4541786 (VCV004541786.1).
Genomic context (GRCh38, chr13:95,062,859, plus strand): 5'-ATCTAAAAAGGGCTGAGATGAGGGAACTTTTTCCAGCTCCGGTTCTTCCCACAATGCCAA[C>T]CTACAGAGAGATCCAGGCGGCAGGATTAAAAAAAAAAAGAAAAAAATCACAGGATGCAGC-3'
Protein context (NP_005836.2, residues 1061-1081): LTALIKSQEK[Val1071Ile]GIVGRTGAGK

ClinVar aggregate classification (germline): Uncertain significance (1 of 4 stars; one submission).

gnomAD v4.1: 520 of 1,601,382 alleles (0.032%); highest among the groups gnomAD compares: African/African-American, 0.63%; no homozygotes.

Submission:

Mayo Clinic Laboratories, Mayo Clinic
Classification: Uncertain significance. Last evaluated: 2025-08-06. Review status: criteria provided, single submitter. Criteria: ACMG Guidelines, 2015. Collection method: clinical testing. Allele origin: germline. Observed: 2 variant alleles.
Comment: BS1_moderate, PS3_supporting

Literature cited by the submitters: PubMed 20799350.